The following is an entry in ClinVar:

NM_005996.4(TBX3):c.1875C>G (p.Ile625Met)

Gene: TBX3 (T-box transcription factor 3; minus strand). Cytogenetic location: 12q24.21.
Variant type: single nucleotide variant.
Coding change: c.1875C>G on transcript NM_005996.4 (MANE Select); coding-DNA position 1875, C replaced by G.
Protein change: p.Ile625Met; replaces isoleucine 625 with methionine.
Molecular consequence: missense variant.
Genome position (GRCh38, 1-based): chr12:114,672,138, G>C on the plus strand (C>G on the coding strand, the complement: TBX3 is on the minus strand). VCF-style: chr12-114672138-G-C. GRCh37 (hg19) VCF-style: chr12-115109943-G-C.
Other names: c.1935C>G, p.Ile645Met (NM_016569.4); c.1935C>G (NM_016569.3); short protein forms I625M, I645M.
Identifiers: ClinVar variation 2198037 (VCV002198037.5), dbSNP rs1260105802, ClinGen allele CA386868005.
Genomic context (GRCh38, chr12:114,672,138, plus strand): 5'-CGCCGCCATGGAGGGCAGGGCGGTGGTGAGCAGACTGCTGCCGTCCGGGACCGGCACCGG[G>C]ATGGAGTAGGGGCTGTAGCGCAGCCGCGGGCGCATGGTGTTCAGATTGAGGAAGGGGTGG-3'
Protein context (NP_005987.3, residues 615-635): RPRLRYSPYS[Ile625Met]PVPVPDGSSL

ClinVar aggregate classification (germline): Uncertain significance. Review status: criteria provided, multiple submitters, no conflicts (2 of 4 stars). 2 submissions from 2 submitters: Uncertain significance (2). Last evaluated 2026-08-24.

Conditions:
TBX3-related disorder. Also called: TBX3-related condition.
Ulnar-mammary syndrome (UMS). Also called: SCHINZEL SYNDROME; PALLISTER ULNAR-MAMMARY SYNDROME; Ulnar-mammary syndrome of Pallister. Identifiers: Orphanet 3138, MedGen C1866994, MONDO:0008411, OMIM 181450.

Allele frequency attached by ClinVar (database versions not stated): TOPMed below 0.00001; gnomAD 0.00001.
gnomAD v4.1: 10 of 1,572,628 alleles (0.00064%); highest among the groups gnomAD compares: Non-Finnish European, 0.00078%; no homozygotes.

Submissions (2):

PreventionGenetics, part of Exact Sciences
Classification: Uncertain significance for TBX3-related condition. Last evaluated: 2026-08-24. Review status: criteria provided, single submitter. Criteria: ACMG Guidelines, 2015. Collection method: clinical testing. Allele origin: germline.
Comment: The TBX3 c.1935C>G variant is predicted to result in the amino acid substitution p.Ile645Met. To our knowledge, this variant has not been reported in the literature. This variant is reported in 0.0013% of alleles in individuals of European (Non-Finnish) descent in gnomAD. At this time, the clinical significance of this variant is uncertain due to the absence of conclusive functional and genetic evidence.

Labcorp Genetics (formerly Invitae), Labcorp
Classification: Uncertain significance for Ulnar-mammary syndrome. Last evaluated: 2022-08-11. Review status: criteria provided, single submitter. Criteria: Invitae Variant Classification Sherloc (09022015). Collection method: clinical testing. Allele origin: germline.
Comment: In summary, the available evidence is currently insufficient to determine the role of this variant in disease. Therefore, it has been classified as a Variant of Uncertain Significance. Algorithms developed to predict the effect of missense changes on protein structure and function are either unavailable or do not agree on the potential impact of this missense change (SIFT: "Tolerated"; PolyPhen-2: "Possibly Damaging"; Align-GVGD: "Class C0"). This variant has not been reported in the literature in individuals affected with TBX3-related conditions. This variant is present in population databases (no rsID available, gnomAD 0.001%). This sequence change replaces isoleucine, which is neutral and non-polar, with methionine, which is neutral and non-polar, at codon 625 of the TBX3 protein (p.Ile625Met).